The following is an entry in ClinVar:

NM_145290.4(ADGRA3):c.2005G>A (p.Val669Met)

Gene: ADGRA3 (adhesion G protein-coupled receptor A3; minus strand). Cytogenetic location: 4p15.2.
Variant type: single nucleotide variant.
Coding change: c.2005G>A on transcript NM_145290.4 (MANE Select); coding-DNA position 2005, G replaced by A.
Protein change: p.Val669Met; replaces valine 669 with methionine.
Molecular consequence: missense variant.
Genome position (GRCh38, 1-based): chr4:22,413,619, C>T on the plus strand (G>A on the coding strand, the complement: ADGRA3 is on the minus strand). VCF-style: chr4-22413619-C-T. GRCh37 (hg19) VCF-style: chr4-22415242-C-T.
Other names: short protein forms V669M.
Identifiers: ClinVar variation 4691048 (VCV004691048.1).

ClinVar aggregate classification (germline): Uncertain significance (1 of 4 stars; one submission).

Submission:

Labcorp Genetics (formerly Invitae), Labcorp
Classification: Uncertain significance. Last evaluated: 2025-06-17. Review status: criteria provided, single submitter. Criteria: Invitae Variant Classification Sherloc (09022015). Collection method: clinical testing. Allele origin: germline.
Comment: This sequence change replaces valine, which is neutral and non-polar, with methionine, which is neutral and non-polar, at codon 669 of the ADGRA3 protein (p.Val669Met). This variant is not present in population databases (gnomAD no frequency). This variant has not been reported in the literature in individuals affected with ADGRA3-related conditions. An algorithm developed to predict the effect of missense changes on protein structure and function (PolyPhen-2) suggests that this variant is likely to be disruptive. In summary, the available evidence is currently insufficient to determine the role of this variant in disease. Therefore, it has been classified as a Variant of Uncertain Significance.